The following is an entry in ClinVar:

ClinVar aggregate classification (germline): Uncertain significance (1 of 4 stars; one submission).

Conditions:
POLD1-related polyposis and colorectal cancer syndrome (CRCS10). Also called: Colorectal cancer, susceptibility to, 10; Colorectal cancer 10; COLORECTAL CANCER, SUSCEPTIBILITY TO, ON CHROMOSOME 19q. Identifiers: Orphanet 220460, MedGen C2675481, MONDO:0012953, OMIM 612591.

gnomAD v4.1: 2 of 1,565,018 alleles (0.00013%); highest among the groups gnomAD compares: Non-Finnish European, 0.000086%; no homozygotes.

Submission:

Labcorp Genetics (formerly Invitae), Labcorp
Classification: Uncertain significance for POLD1-related polyposis and colorectal cancer syndrome. Last evaluated: 2023-11-25. Review status: criteria provided, single submitter. Criteria: Invitae Variant Classification Sherloc (09022015). Collection method: clinical testing. Allele origin: germline.
Comment: This sequence change replaces cysteine, which is neutral and slightly polar, with phenylalanine, which is neutral and non-polar, at codon 991 of the POLD1 protein (p.Cys991Phe). This variant is not present in population databases (gnomAD no frequency). This variant has not been reported in the literature in individuals affected with POLD1-related conditions. ClinVar contains an entry for this variant (Variation ID: 652001). Advanced modeling of protein sequence and biophysical properties (such as structural, functional, and spatial information, amino acid conservation, physicochemical variation, residue mobility, and thermodynamic stability) performed at Invitae indicates that this missense variant is not expected to disrupt POLD1 protein function with a negative predictive value of 80%. In summary, the available evidence is currently insufficient to determine the role of this variant in disease. Therefore, it has been classified as a Variant of Uncertain Significance.

NM_002691.4(POLD1):c.2972G>T (p.Cys991Phe)

Gene: POLD1 (DNA polymerase delta 1, catalytic subunit; plus strand). Cytogenetic location: 19q13.33.
Variant type: single nucleotide variant.
Coding change: c.2972G>T on transcript NM_002691.4 (MANE Select); coding-DNA position 2972, G replaced by T.
Protein change: p.Cys991Phe; replaces cysteine 991 with phenylalanine.
Molecular consequence: missense variant. On other transcripts: non-coding transcript variant (1).
Genome position (GRCh38, 1-based): chr19:50,416,628, G>T. VCF-style: chr19-50416628-G-T. GRCh37 (hg19) VCF-style: chr19-50919885-G-T.
Other names: c.2972G>T, p.Cys991Phe (NM_001256849.1); c.3050G>T, p.Cys1017Phe (NM_001308632.1); short protein forms C991F, C1017F.
Identifiers: ClinVar variation 652001 (VCV000652001.10), dbSNP rs775264944, ClinGen allele CA406986837.
Genomic context (GRCh38, chr19:50,416,628, plus strand): 5'-CAGAGGAGATCACCGGCCCACCACCTGCCTCCTCTCCTGCAGGGGGGGACCACACGCGCT[G>T]CAAGACGGTGCTCACGGGCAAGGTGGGCGGCCTCCTGGCCTTCGCCAAACGCCGCAACTG-3'
Protein context (NP_002682.2, residues 981-1001): AVLLRGDHTR[Cys991Phe]KTVLTGKVGG